The following is an entry in ClinVar:

NM_002470.4(MYH3):c.1186_1187delinsTA (p.Leu396Tyr)

Gene: MYH3 (myosin heavy chain 3; minus strand). Cytogenetic location: 17p13.1.
Variant type: Indel.
Coding change: c.1186_1187delinsTA on transcript NM_002470.4 (MANE Select); coding-DNA positions 1186 to 1187, CT replaced by TA.
Protein change: p.Leu396Tyr; replaces leucine 396 with tyrosine.
Molecular consequence: missense variant.
Genome position (GRCh38, 1-based): chr17:10,644,657-10,644,658, AG replaced by TA on the plus strand (CT replaced by TA on the coding strand, the reverse complement: MYH3 is on the minus strand). VCF-style: chr17-10644657-AG-TA. GRCh37 (hg19) VCF-style: chr17-10547974-AG-TA.
Other names: short protein forms L396Y.
Identifiers: ClinVar variation 3679346 (VCV003679346.2).

ClinVar aggregate classification (germline): Uncertain significance (1 of 4 stars; one submission).

Submission:

Labcorp Genetics (formerly Invitae), Labcorp
Classification: Uncertain significance. Last evaluated: 2024-06-19. Review status: criteria provided, single submitter. Criteria: Invitae Variant Classification Sherloc (09022015). Collection method: clinical testing. Allele origin: germline.
Comment: This sequence change replaces leucine, which is neutral and non-polar, with tyrosine, which is neutral and polar, at codon 396 of the MYH3 protein (p.Leu396Tyr). Information on the frequency of this variant in the gnomAD database is not available, as this variant may be reported differently in the database. This variant has not been reported in the literature in individuals affected with MYH3-related conditions. An algorithm developed to predict the effect of missense changes on protein structure and function (PolyPhen-2) suggests that this variant is likely to be disruptive. In summary, the available evidence is currently insufficient to determine the role of this variant in disease. Therefore, it has been classified as a Variant of Uncertain Significance.